The following is an entry in ClinVar:

NM_001024845.3(SLC6A9):c.31-676C>G

Gene: SLC6A9 (solute carrier family 6 member 9; minus strand). Cytogenetic location: 1p34.1.
Variant type: single nucleotide variant.
Coding change: c.31-676C>G on transcript NM_001024845.3 (MANE Select); 676 bases into the intron before coding-DNA position 31, C replaced by G.
Molecular consequence: intron variant.
Genome position (GRCh38, 1-based): chr1:44,011,558, G>C on the plus strand (C>G on the coding strand, the complement: SLC6A9 is on the minus strand). VCF-style: chr1-44011558-G-C. GRCh37 (hg19) VCF-style: chr1-44477230-G-C.
Other names: c.-14-2935C>G (NM_001328630.2, NM_001328626.2); c.31-676C>G (NM_001328629.1); c.125-2935C>G (NM_001328628.1); c.125-1462C>G (NM_001328627.1); c.88-676C>G (NM_001261380.2, NM_006934.4); c.249+3C>G (NM_201649.4).
Identifiers: ClinVar variation 2018590 (VCV002018590.4), dbSNP rs768495892, ClinGen allele CA817917.
Genomic context (GRCh38, chr1:44,011,558, plus strand): 5'-GTGGGAGGGTCCGGGGAGCTAGCTACACTGCCCATGGCTGGGGAGGGGCCCTGGGGAGCT[G>C]ACCTGGGCCATGGCTAGGGAGTGCTGGGCCATGAGTTGGGGAAGGAGACCAGAGTTGTAG-3'

ClinVar aggregate classification (germline): Uncertain significance (1 of 4 stars; one submission).

Conditions:
Atypical glycine encephalopathy. Also called: Glycine encephalopathy with normal serum glycine. Identifiers: Orphanet 289863, MedGen C4310943, MONDO:0015010, OMIM 617301.

Allele frequency attached by ClinVar (database versions not stated): ExAC 0.00001; gnomAD 0.00001; TOPMed 0.00003.

Submission:

Labcorp Genetics (formerly Invitae), Labcorp
Classification: Uncertain significance for Atypical glycine encephalopathy. Last evaluated: 2022-07-21. Review status: criteria provided, single submitter. Criteria: Invitae Variant Classification Sherloc (09022015). Collection method: clinical testing. Allele origin: germline.
Comment: In summary, the available evidence is currently insufficient to determine the role of this variant in disease. Therefore, it has been classified as a Variant of Uncertain Significance. Variants that disrupt the consensus splice site are a relatively common cause of aberrant splicing (PMID: 17576681, 9536098). Algorithms developed to predict the effect of sequence changes on RNA splicing suggest that this variant may create or strengthen a splice site. This variant has not been reported in the literature in individuals affected with SLC6A9-related conditions. This variant is present in population databases (rs768495892, gnomAD 0.01%). This sequence change falls in intron 2 of the SLC6A9 gene. It does not directly change the encoded amino acid sequence of the SLC6A9 protein. It affects a nucleotide within the consensus splice site.

Literature cited by the submitters: PubMed 17576681; PubMed 9536098.